The following is an entry in ClinVar:

NM_001035.3(RYR2):c.6792+5G>A

Gene: RYR2 (ryanodine receptor 2; plus strand). Cytogenetic location: 1q43.
Variant type: single nucleotide variant.
Coding change: c.6792+5G>A on transcript NM_001035.3 (MANE Select); 5 bases into the intron after coding-DNA position 6792, G replaced by A.
Molecular consequence: intron variant.
Genome position (GRCh38, 1-based): chr1:237,634,997, G>A. VCF-style: chr1-237634997-G-A. GRCh37 (hg19) VCF-style: chr1-237798297-G-A.
Identifiers: ClinVar variation 920102 (VCV000920102.7), dbSNP rs1410840833, ClinGen allele CA529544738.
Genomic context (GRCh38, chr1:237,634,997, plus strand): 5'-CGGTGATGGATAATAATGAACTAGCATTAGCTCTGCGTGAGCCGGATCTAGAAAAGGTGA[G>A]CAATGTTCCTGCCCTGTGTGTTTGTCTGAATTATGCTTTTTCACGGTTTTCTCAATATTT-3'

ClinVar aggregate classification (germline): Uncertain significance. Review status: criteria provided, multiple submitters, no conflicts (2 of 4 stars). 2 submissions from 2 submitters: Uncertain significance (2). Last evaluated 2023-06-24.

Conditions:
Cardiomyopathy (CMYO). Also called: Cardiomyopathies. Identifiers: Orphanet 167848, MedGen C0878544, MONDO:0004994, HP:0001638. Inheritance: Various modes of inheritance.
Catecholaminergic polymorphic ventricular tachycardia 1. Also called: VENTRICULAR TACHYCARDIA, CATECHOLAMINERGIC POLYMORPHIC, 1, WITH OR WITHOUT ATRIAL DYSFUNCTION AND/OR DILATED CARDIOMYOPATHY; RYR2-Related Catecholaminergic Polymorphic Ventricular Tachycardia; VENTRICULAR TACHYCARDIA, STRESS-INDUCED POLYMORPHIC 1. Identifiers: Orphanet 3286, MedGen C1631597, MONDO:0011484, OMIM 604772.

Submissions (2):

Labcorp Genetics (formerly Invitae), Labcorp
Classification: Uncertain significance for Catecholaminergic polymorphic ventricular tachycardia 1. Last evaluated: 2023-06-24. Review status: criteria provided, single submitter. Criteria: Invitae Variant Classification Sherloc (09022015). Collection method: clinical testing. Allele origin: germline.
Comment: In summary, the available evidence is currently insufficient to determine the role of this variant in disease. Therefore, it has been classified as a Variant of Uncertain Significance. Variants that disrupt the consensus splice site are a relatively common cause of aberrant splicing (PMID: 17576681, 9536098). Algorithms developed to predict the effect of sequence changes on RNA splicing suggest that this variant is not likely to affect RNA splicing. ClinVar contains an entry for this variant (Variation ID: 920102). This variant has not been reported in the literature in individuals affected with RYR2-related conditions. The frequency data for this variant in the population databases is considered unreliable, as metrics indicate poor data quality at this position in the gnomAD database. This sequence change falls in intron 44 of the RYR2 gene. It does not directly change the encoded amino acid sequence of the RYR2 protein. It affects a nucleotide within the consensus splice site.

Color Diagnostics, LLC DBA Color Health
Classification: Uncertain significance for Cardiomyopathy. Last evaluated: 2019-02-10. Review status: criteria provided, single submitter. Criteria: ACMG Guidelines, 2015. Collection method: clinical testing. Allele origin: germline.
Comment: Variant of Uncertain Significance due to insufficient evidence: This variant is located close to the intron 44 splice donor site of the RYR2 gene. Computational splicing tools predict that this variant may disrupt RNA splicing. To our knowledge, functional assays have not been performed for this variant nor has this variant been reported in individuals affected with cardiovascular disorders in the literature. This variant is rare in the general population and has been identified in 0/277264 chromosomes by the Genome Aggregation Database (gnomAD). Available evidence is insufficient to determine the role of this variant in disease conclusively.

Literature cited by the submitters: PubMed 17576681 (cited by Labcorp Genetics (formerly Invitae), Labcorp); PubMed 9536098 (cited by Labcorp Genetics (formerly Invitae), Labcorp).